The following is an entry in ClinVar:

ClinVar aggregate classification (germline): Uncertain significance (1 of 4 stars; one submission).

Conditions:
Glycogen storage disease, type II (IOPD). Also called: Glucosidase acid-1,4-alpha deficiency; Pompe Disease; POMPE DISEASE, INFANTILE-ONSET; GLYCOGEN STORAGE DISEASE II, INFANTILE-ONSET; ACID ALPHA-GLUCOSIDASE DEFICIENCY, INFANTILE-ONSET; GAA DEFICIENCY, INFANTILE-ONSET. Identifiers: Orphanet 365, MedGen C0017921, MONDO:0009290, OMIM 232300.

gnomAD v4.1: 1 of 1,612,528 alleles (0.000062%); highest among the groups gnomAD compares: Non-Finnish European, 0.000085%; no homozygotes.

Submission:

Labcorp Genetics (formerly Invitae), Labcorp
Classification: Uncertain significance for Glycogen storage disease, type II. Last evaluated: 2021-08-26. Review status: criteria provided, single submitter. Criteria: Invitae Variant Classification Sherloc (09022015). Collection method: clinical testing. Allele origin: germline.
Comment: This sequence change replaces arginine with glycine at codon 11 of the GAA protein (p.Arg11Gly). The arginine residue is weakly conserved and there is a moderate physicochemical difference between arginine and glycine. This variant is not present in population databases (ExAC no frequency). This variant has not been reported in the literature in individuals affected with GAA-related conditions. Algorithms developed to predict the effect of missense changes on protein structure and function (SIFT, PolyPhen-2, Align-GVGD) all suggest that this variant is likely to be tolerated. In summary, the available evidence is currently insufficient to determine the role of this variant in disease. Therefore, it has been classified as a Variant of Uncertain Significance.

NM_000152.5(GAA):c.31C>G (p.Arg11Gly)

Gene: GAA (alpha glucosidase; plus strand). Cytogenetic location: 17q25.3.
Variant type: single nucleotide variant.
Coding change: c.31C>G on transcript NM_000152.5 (MANE Select); coding-DNA position 31, C replaced by G.
Protein change: p.Arg11Gly; replaces arginine 11 with glycine.
Molecular consequence: missense variant.
Genome position (GRCh38, 1-based): chr17:80,104,617, C>G. VCF-style: chr17-80104617-C-G. GRCh37 (hg19) VCF-style: chr17-78078416-C-G.
Other names: c.31C>G (LRG_673t1); c.31C>G, p.Arg11Gly (NM_001079803.3, NM_001079804.3); short protein forms R11G.
Identifiers: ClinVar variation 456418 (VCV000456418.6), dbSNP rs772394815, ClinGen allele CA401359956.
Genomic context (GRCh38, chr17:80,104,617, plus strand): 5'-CTGTAGGAGCTGTCCAGGCCATCTCCAACCATGGGAGTGAGGCACCCGCCCTGCTCCCAC[C>G]GGCTCCTGGCCGTCTGCGCCCTCGTGTCCTTGGCAACCGCTGCACTCCTGGGGCACATCC-3'
Protein context (NP_000143.2, residues 1-21): MGVRHPPCSH[Arg11Gly]LLAVCALVSL